The following is an entry in ClinVar:

ClinVar aggregate classification (germline): Uncertain significance (1 of 4 stars; one submission).

Conditions:
WBP11-related disorder. Also called: WBP11-related condition.

Submission:

PreventionGenetics, part of Exact Sciences
Classification: Uncertain significance for WBP11-related condition. Last evaluated: 2022-12-01. Review status: criteria provided, single submitter. Criteria: ACMG Guidelines, 2015. Collection method: clinical testing. Allele origin: germline.
Comment: The WBP11 c.1192C>G variant is predicted to result in the amino acid substitution p.Pro398Ala. To our knowledge, this variant has not been reported in the literature or in a large population database, indicating this variant is rare. At this time, the clinical significance of this variant is uncertain due to the absence of conclusive functional and genetic evidence.

NM_016312.3(WBP11):c.1192C>G (p.Pro398Ala)

Gene: WBP11 (WW domain binding protein 11; minus strand). Cytogenetic location: 12p12.3.
Variant type: single nucleotide variant.
Coding change: c.1192C>G on transcript NM_016312.3 (MANE Select); coding-DNA position 1192, C replaced by G.
Protein change: p.Pro398Ala; replaces proline 398 with alanine.
Molecular consequence: missense variant.
Genome position (GRCh38, 1-based): chr12:14,790,573, G>C on the plus strand (C>G on the coding strand, the complement: WBP11 is on the minus strand). VCF-style: chr12-14790573-G-C. GRCh37 (hg19) VCF-style: chr12-14943507-G-C.
Other names: short protein forms P398A.
Identifiers: ClinVar variation 2635436 (VCV002635436.1), dbSNP rs2498046488, ClinGen allele CA384009874.